The following is an entry in ClinVar:

ClinVar aggregate classification (germline): Likely benign (1 of 4 stars; one submission).

Allele frequency attached by ClinVar (database versions not stated): 1000 Genomes Project 0.00060; gnomAD exomes 0.00093; ExAC 0.00101.
gnomAD v4.1: 1,033 of 1,162,196 alleles (0.089%); highest among the groups gnomAD compares: Middle Eastern, 0.12%; 17 homozygotes.

Submission:

CeGaT Center for Human Genetics Tuebingen
Classification: Likely benign. Last evaluated: 2024-10-01. Review status: criteria provided, single submitter. Criteria: CeGaT Center For Human Genetics Tuebingen Variant Classification Criteria Version 2. Collection method: clinical testing. Allele origin: germline. Affected: yes. Observed: 2 variant alleles.
Comment: OGFR: BP4, BP7, BS2

NM_007346.4(OGFR):c.1689C>A (p.Gly563=)

Gene: OGFR (opioid growth factor receptor; plus strand). Cytogenetic location: 20q13.33.
Variant type: single nucleotide variant.
Coding change: c.1689C>A on transcript NM_007346.4 (MANE Select); coding-DNA position 1689, C replaced by A.
Protein change: p.Gly563=; no amino-acid change (glycine 563 retained).
Molecular consequence: synonymous variant.
Genome position (GRCh38, 1-based): chr20:62,813,304, C>A. VCF-style: chr20-62813304-C-A. GRCh37 (hg19) VCF-style: chr20-61444656-C-A.
Identifiers: ClinVar variation 2652501 (VCV002652501.24), dbSNP rs551254702, ClinGen allele CA9948838.